The following is an entry in ClinVar:

NM_003126.4(SPTA1):c.346G>A (p.Glu116Lys)

Gene: SPTA1 (spectrin alpha, erythrocytic 1; minus strand). Cytogenetic location: 1q23.1.
Variant type: single nucleotide variant.
Coding change: c.346G>A on transcript NM_003126.4 (MANE Select); coding-DNA position 346, G replaced by A.
Protein change: p.Glu116Lys; replaces glutamic acid 116 with lysine.
Molecular consequence: missense variant.
Genome position (GRCh38, 1-based): chr1:158,683,415, C>T on the plus strand (G>A on the coding strand, the complement: SPTA1 is on the minus strand). VCF-style: chr1-158683415-C-T. GRCh37 (hg19) VCF-style: chr1-158653205-C-T.
Other names: short protein forms E116K.
Identifiers: ClinVar variation 3905822 (VCV003905822.10).

ClinVar aggregate classification (germline): Uncertain significance (1 of 4 stars; one submission).

Submission:

CeGaT Center for Human Genetics Tuebingen
Classification: Uncertain significance. Last evaluated: 2025-05-01. Review status: criteria provided, single submitter. Criteria: CeGaT Center For Human Genetics Tuebingen Variant Classification Criteria Version 2. Collection method: clinical testing. Allele origin: germline. Affected: yes. Observed: 1 variant allele.
Comment: SPTA1: PM2, BP4